The following is an entry in ClinVar:

NM_000059.4(BRCA2):c.6842-587_7007+2347dup

Gene: BRCA2 (BRCA2 DNA repair associated; plus strand). Cytogenetic location: 13q13.1.
Variant type: Duplication.
Coding change: c.6842-587_7007+2347dup on transcript NM_000059.4 (MANE Select); 587 bases into the intron before coding-DNA position 6842 through 2347 bases into the intron after coding-DNA position 7007, 5,273 bases duplicated.
Molecular consequence: splice acceptor variant, splice donor variant.
Genome position (GRCh38, 1-based): chr13:32,343,971-32,349,243, 5,273 bases duplicated. GRCh37 (hg19): chr13:32,918,108-32,923,380.
Identifiers: ClinVar variation 1755741 (VCV001755741.2).

ClinVar aggregate classification (germline): Pathogenic (1 of 4 stars; one submission).

Conditions:
Hereditary cancer-predisposing syndrome. Also called: Neoplastic Syndromes, Hereditary; Tumor predisposition; Hereditary Cancer Syndrome; Hereditary neoplastic syndrome. Identifiers: Orphanet 140162, MedGen C0027672, MeSH D009386, MONDO:0015356.

Submission:

Ambry Genetics
Classification: Pathogenic for Hereditary cancer-predisposing syndrome. Last evaluated: 2017-03-21. Review status: criteria provided, single submitter. Criteria: Ambry Variant Classification Scheme 2023. Collection method: clinical testing. Allele origin: germline.
Comment: The EX11_12dup gross duplication spans coding exons 11 through 12 in the BRCA2 gene. Additional analysis to determine breakpoints identified that this duplication is in tandem and is predicted to result in a premature truncation causing a translational frameshift with a predicted alternate stop codon (Ambry internal data). As such, this alteration is interpreted as a disease-causing mutation.